The following is an entry in ClinVar:

NM_130837.3(OPA1):c.232A>G (p.Ile78Val)

Gene: OPA1 (OPA1 mitochondrial dynamin like GTPase; plus strand). Cytogenetic location: 3q29.
Variant type: single nucleotide variant.
Coding change: c.232A>G on transcript NM_130837.3 (MANE Select); coding-DNA position 232, A replaced by G.
Protein change: p.Ile78Val; replaces isoleucine 78 with valine.
Molecular consequence: missense variant. On other transcripts: 5 prime UTR variant (2).
Genome position (GRCh38, 1-based): chr3:193,614,922, A>G. VCF-style: chr3-193614922-A-G. GRCh37 (hg19) VCF-style: chr3-193332711-A-G.
Other names: c.-141A>G (NM_001354663.2, NM_001354664.2); c.232A>G, p.Ile78Val (NM_015560.3, NM_130831.3, NM_130832.3 and 4 more transcripts); short protein forms I78V.
Identifiers: ClinVar variation 2101854 (VCV002101854.4), dbSNP rs2474576897, ClinGen allele CA355786778.

ClinVar aggregate classification (germline): Uncertain significance (1 of 4 stars; one submission).

Submission:

Labcorp Genetics (formerly Invitae), Labcorp
Classification: Uncertain significance. Last evaluated: 2025-09-08. Review status: criteria provided, single submitter. Criteria: Invitae Variant Classification Sherloc (09022015). Collection method: clinical testing. Allele origin: germline.
Comment: This sequence change replaces isoleucine, which is neutral and non-polar, with valine, which is neutral and non-polar, at codon 78 of the OPA1 protein (p.Ile78Val). This variant is not present in population databases (gnomAD no frequency). This variant has not been reported in the literature in individuals affected with OPA1-related conditions. ClinVar contains an entry for this variant (Variation ID: 2101854). Invitae Evidence Modeling of protein sequence and biophysical properties (such as structural, functional, and spatial information, amino acid conservation, physicochemical variation, residue mobility, and thermodynamic stability) indicates that this missense variant is not expected to disrupt OPA1 protein function with a negative predictive value of 80%. In summary, the available evidence is currently insufficient to determine the role of this variant in disease. Therefore, it has been classified as a Variant of Uncertain Significance.